The following is an entry in ClinVar:

ClinVar aggregate classification (germline): Likely pathogenic (1 of 4 stars; one submission).

Conditions:
Coffin-Lowry syndrome (CLS). Also called: Mental retardation with osteocartilaginous abnormalities; COFFIN-LOWRY SYNDROME, MILD. Identifiers: Orphanet 192, MedGen C0265252, MONDO:0010561, OMIM 303600.

Submission:

3billion
Classification: Likely pathogenic for Coffin-Lowry syndrome. Last evaluated: 2024-03-08. Review status: criteria provided, single submitter. Criteria: ACMG Guidelines, 2015. Collection method: clinical testing. Allele origin: germline. Affected: yes.
Comment: The variant is not observed in the gnomAD v2.1.1 dataset. Predicted Consequence/Location: Frameshift: predicted to result in a loss or disruption of normal protein function through nonsense-mediated decay (NMD) or protein truncation. Multiple pathogenic variants are reported downstream of the variant. Therefore, this variant is classified as Likely pathogenic according to the recommendation of ACMG/AMP guideline.

NM_004586.3(RPS6KA3):c.813del (p.Asp272fs)

Gene: RPS6KA3 (ribosomal protein S6 kinase A3; minus strand). Cytogenetic location: Xp22.12.
Variant type: Deletion.
Coding change: c.813del on transcript NM_004586.3 (MANE Select); coding-DNA position 813, one base deleted (A; older notation c.813delA).
Protein change: p.Asp272fs; shifts the reading frame from aspartic acid 272.
Molecular consequence: frameshift variant.
Genome position (GRCh38, 1-based): chrX:20,186,328, T deleted on the plus strand (A on the coding strand, the reverse complement: RPS6KA3 is on the minus strand); the first of 4 consecutive T bases (chrX:20,186,328-20,186,331); deleting any one gives the same sequence. VCF-style (leftmost placement, unchanged base first): chrX-20186327-CT-C. GRCh37 (hg19) VCF-style: chrX-20204445-CT-C.
Other names: short protein forms D272fs.
Identifiers: ClinVar variation 3775778 (VCV003775778.1).